The following is an entry in ClinVar:

ClinVar aggregate classification (germline): Likely pathogenic (1 of 4 stars; one submission).

Submission:

GeneDx
Classification: Likely pathogenic. Last evaluated: 2024-07-31. Review status: criteria provided, single submitter. Criteria: GeneDx Variant Classification Process June 2021. Collection method: clinical testing. Allele origin: germline.
Comment: Intronic variant directly or indirectly altering the +5 splice site in a gene for which loss of function is a known mechanism of disease, and splice predictors support a deleterious effect; Not observed at significant frequency in large population cohorts (gnomAD); Has not been previously published as pathogenic or benign to our knowledge

NM_018075.5(ANO10):c.1218+5G>A

Gene: ANO10 (anoctamin 10; minus strand). Cytogenetic location: 3p22.1.
Variant type: single nucleotide variant.
Coding change: c.1218+5G>A on transcript NM_018075.5 (MANE Select); 5 bases into the intron after coding-DNA position 1218, G replaced by A.
Molecular consequence: intron variant.
Genome position (GRCh38, 1-based): chr3:43,574,804, C>T on the plus strand (G>A on the coding strand, the complement: ANO10 is on the minus strand). VCF-style: chr3-43574804-C-T. GRCh37 (hg19) VCF-style: chr3-43616296-C-T.
Other names: c.1020+5G>A (NM_001346469.2, NM_001204832.3, NM_001346466.2); c.1218+5G>A (NM_001346468.2, NM_001346465.2, NM_001204831.3 and 3 more transcripts); c.885+5G>A (NM_001204833.3); c.648+5G>A (NM_001204834.3).
Identifiers: ClinVar variation 1804423 (VCV001804423.2), dbSNP rs2529327701, ClinGen allele CA2580069846.